The following is an entry in ClinVar:

NM_001204.7(BMPR2):c.2948G>A (p.Arg983Gln)

Gene: BMPR2 (bone morphogenetic protein receptor type 2; plus strand). Cytogenetic location: 2q33.2.
Variant type: single nucleotide variant.
Coding change: c.2948G>A on transcript NM_001204.7 (MANE Select); coding-DNA position 2948, G replaced by A.
Protein change: p.Arg983Gln; replaces arginine 983 with glutamine.
Molecular consequence: missense variant.
Genome position (GRCh38, 1-based): chr2:202,559,777, G>A. VCF-style: chr2-202559777-G-A. GRCh37 (hg19) VCF-style: chr2-203424500-G-A.
Other names: NM_001204.7(BMPR2):c.2948G>A; p.Arg983Gln; c.2948G>A (LRG_712t1); short protein forms R983Q.
Identifiers: ClinVar variation 333652 (VCV000333652.33), dbSNP rs148099152, ClinGen allele CA2061617.

ClinVar aggregate classification (germline): Likely benign. Review status: reviewed by expert panel (3 of 4 stars). 6 submissions from 5 submitters: Likely benign (1). 5 of the submissions do not count toward it. Last evaluated 2024-05-03.

Conditions:
Elevated right atrial pressure. Identifiers: MedGen C1867421, HP:0005168.
Increased pulmonary vascular resistance. Identifiers: MedGen C1867423, HP:0005317.
Complete right bundle branch block. Also called: Right bundle branch block. Identifiers: MedGen C0085615, HP:0011712.
Mitral valve prolapse. Identifiers: MedGen C0026267, MONDO:0004910, HP:0001634.
Pulmonary artery dilatation. Identifiers: MedGen C0428851, HP:0004927.
Right ventricular dilatation. Identifiers: MedGen C0344893, HP:0005133.
Right ventricular hypertrophy. Identifiers: MedGen C0162770, HP:0001667.
Pulmonary arterial hypertension. Identifiers: Orphanet 182090, MedGen C2973725, MeSH D000081029, MONDO:0015924, HP:0002092.
Primary pulmonary hypertension. Also called: Idiopathic pulmonary hypertension. Identifiers: MedGen C0152171.
Pulmonary hypertension, primary, 1 (PPH1). Also called: Pulmonary hypertension, familial primary, 1, with or without HHT. Identifiers: Orphanet 422, MedGen C4552070, MONDO:0024533, OMIM 178600.

Allele frequency attached by ClinVar (database versions not stated): gnomAD exomes 0.00018 and 0.00026; ExAC 0.00021; ESP Exome Variant Server 0.00023; TOPMed 0.00028; gnomAD 0.00030 and 0.00031.
gnomAD v4.1: 326 of 1,614,112 alleles (0.02%); highest among the groups gnomAD compares: Middle Eastern, 0.049%; no homozygotes.

Submissions (6):

Clingen Pulmonary Hypertension Variant Curation Expert Panel, ClinGen
Classification: Likely benign for Pulmonary arterial hypertension. Last evaluated: 2024-05-03. Review status: reviewed by expert panel. Criteria: ClinGen PH ACMG Specifications BMPR2 V1.1.0. Collection method: curation. Allele origin: germline. Inheritance: Autosomal dominant inheritance.
Comment: The NM_001204.7(BMPR2):c.2948G>A variant is a missense variant predicted to cause substitution of arginine to glutamine at amino acid position 983 (p.Arg983Gln). The highest population minor allele frequency in gnomAD v2.1.1 controls is 0.0034 (8/2358) in the Ashkenazi Jew population, which is higher than the ClinGen PH VCEP threshold (>0.1%) for BS1, and therefore meets this criterion (BS1). The computational predictor REVEL gives a score of 0.4, which is neither above nor below the thresholds predicting a damaging or benign impact on BMPR2 function. In summary, this variant meets the criteria to be classified as likely benign for pulmonary arterial hypertension based on the ACMG/AMP criteria applied, as specified by the ClinGen Pulmonary Hypertension VCEP: BS1. (VCEP specifications version 1.1, 1/18/2024)

Labcorp Genetics (formerly Invitae), Labcorp
Classification: Likely benign for Primary pulmonary hypertension. Last evaluated: 2025-12-23. Review status: criteria provided, single submitter. Criteria: Invitae Variant Classification Sherloc (09022015). Collection method: clinical testing. Allele origin: germline. Not counted in ClinVar's aggregate classification.

ARUP Laboratories, Molecular Genetics and Genomics, ARUP Laboratories
Classification: Uncertain significance. Last evaluated: 2020-03-26. Review status: criteria provided, single submitter. Criteria: ARUP Molecular Germline Variant Investigation Process. Collection method: clinical testing. Allele origin: germline. Not counted in ClinVar's aggregate classification.
Comment: The BMPR2 c.2948G>A; However, this variant is found in the Ashkenazi Jewish population with an allele frequency of 0.46% (48/10366 alleles) in the Genome Aggregation Database, suggesting that it may be a polymorphism in this population. The arginine at codon 983 is highly conserved, and computational analyses (SIFT: damaging, PolyPhen-2: benign) predict conflicting effects of this variant on protein structure/function. Due to limited information, the clinical significance of the p.Arg983Gln variant is uncertain at this time. References: Newman JH et al. Genetic basis of pulmonary arterial hypertension: current understanding and future directions. J Am Coll Cardiol. 2004 Jun 16;43(12 Suppl S):33S-39S.

Illumina Laboratory Services, Illumina
Classification: Benign for Pulmonary hypertension, primary, 1. Last evaluated: 2018-01-13. Review status: criteria provided, single submitter. Criteria: ICSL Variant Classification Criteria 13 December 2019. Collection method: clinical testing. Allele origin: germline. Not counted in ClinVar's aggregate classification.
Comment: This variant was observed in the ICSL laboratory as part of a predisposition screen in an ostensibly healthy population. It had not been previously curated by ICSL or reported in the Human Gene Mutation Database (HGMD: prior to June 1st, 2018), and was therefore a candidate for classification through an automated scoring system. Utilizing variant allele frequency, disease prevalence and penetrance estimates, and inheritance mode, an automated score was calculated to assess if this variant is too frequent to cause the disease. Based on the score and internal cut-off values, a variant classified as benign is not then subjected to further curation. The score for this variant resulted in a classification of benign for this disease.

Centre for Mendelian Genomics, University Medical Centre Ljubljana
Classification: Uncertain significance for Pulmonary hypertension, primary, 1. Last evaluated: 2016-01-01. Review status: criteria provided, single submitter. Criteria: ACMG Guidelines, 2015. Collection method: clinical testing. Allele origin: unknown. Affected: yes. Not counted in ClinVar's aggregate classification.
Comment: This variant was classified as: Uncertain significance.

Centre for Mendelian Genomics, University Medical Centre Ljubljana
Classification: Uncertain significance for Elevated right atrial pressure; Increased pulmonary vascular resistance; Mitral valve prolapse; Pulmonary artery dilatation; Pulmonary arterial hypertension; Complete right bundle branch block; Right ventricular dilatation; Right ventricular hypertrophy. Last evaluated: 2016-01-13. Review status: no assertion criteria provided. Collection method: clinical testing. Allele origin: unknown. Affected: yes. Not counted in ClinVar's aggregate classification.